The following is an entry in ClinVar:

ClinVar aggregate classification (germline): Uncertain significance. Review status: criteria provided, multiple submitters, no conflicts (2 of 4 stars). 2 submissions from 2 submitters: Uncertain significance (2). Last evaluated 2024-10-16.

Allele frequency attached by ClinVar (database versions not stated): ExAC 0.00001; gnomAD exomes 0.00001 and 0.00003; TOPMed 0.00002.
gnomAD v4.1: 19 of 1,613,830 alleles (0.0012%); highest among the groups gnomAD compares: Admixed American, 0.012%; no homozygotes.

Submissions (2):

Blueprint Genetics
Classification: Uncertain significance. Last evaluated: 2024-10-16. Review status: criteria provided, single submitter. Criteria: ACMG Guidelines, 2015. Collection method: clinical testing. Allele origin: germline.

Labcorp Genetics (formerly Invitae), Labcorp
Classification: Uncertain significance. Last evaluated: 2022-07-06. Review status: criteria provided, single submitter. Criteria: Invitae Variant Classification Sherloc (09022015). Collection method: clinical testing. Allele origin: germline.
Comment: This sequence change replaces alanine, which is neutral and non-polar, with threonine, which is neutral and polar, at codon 640 of the ARHGEF18 protein (p.Ala640Thr). This variant is present in population databases (rs776929047, gnomAD 0.01%). This variant has not been reported in the literature in individuals affected with ARHGEF18-related conditions. ClinVar contains an entry for this variant (Variation ID: 846258). Algorithms developed to predict the effect of missense changes on protein structure and function output the following: SIFT: "Deleterious"; PolyPhen-2: "Benign"; Align-GVGD: "Class C0". The threonine amino acid residue is found in multiple mammalian species, which suggests that this missense change does not adversely affect protein function. In summary, the available evidence is currently insufficient to determine the role of this variant in disease. Therefore, it has been classified as a Variant of Uncertain Significance.

NM_001367823.1(ARHGEF18):c.2482G>A (p.Ala828Thr)

Gene: ARHGEF18 (Rho/Rac guanine nucleotide exchange factor 18; plus strand). Cytogenetic location: 19p13.2.
Variant type: single nucleotide variant.
Coding change: c.2482G>A on transcript NM_001367823.1 (MANE Select); coding-DNA position 2482, G replaced by A.
Protein change: p.Ala828Thr; replaces alanine 828 with threonine.
Molecular consequence: missense variant.
Genome position (GRCh38, 1-based): chr19:7,462,181, G>A. VCF-style: chr19-7462181-G-A. GRCh37 (hg19) VCF-style: chr19-7527067-G-A.
Other names: c.1756G>A, p.Ala586Thr (NM_001130955.2); c.1444G>A, p.Ala482Thr (NM_001367824.1, NM_015318.4); short protein forms A482T, A828T, A586T.
Identifiers: ClinVar variation 846258 (VCV000846258.8), dbSNP rs776929047, ClinGen allele CA9136879.
Genomic context (GRCh38, chr19:7,462,181, plus strand): 5'-GCTGACTGCCACCTCCACCATCACTCTGCAGAGCGGTTGAGCATGAAAGACCAGCTGATC[G>A]CACAGAGCCTCCTAGAGAAACAGCAGATCTACCTGGAGATGGCCGAGATGGGCGGCCTCG-3'
Protein context (NP_001354752.1, residues 818-838): ERLSMKDQLI[Ala828Thr]QSLLEKQQIY